The following is an entry in ClinVar:

ClinVar aggregate classification (germline): Uncertain significance (1 of 4 stars; one submission).

Conditions:
Hereditary cancer-predisposing syndrome. Also called: Tumor predisposition; Hereditary Cancer Syndrome; Hereditary neoplastic syndrome; Neoplastic Syndromes, Hereditary. Identifiers: Orphanet 140162, MedGen C0027672, MeSH D009386, MONDO:0015356.

gnomAD v4.1: 1 of 1,614,132 alleles (0.000062%); highest among the groups gnomAD compares: Non-Finnish European, 0.000085%; no homozygotes.

Submission:

Ambry Genetics
Classification: Uncertain significance for Hereditary cancer-predisposing syndrome. Last evaluated: 2024-04-07. Review status: criteria provided, single submitter. Criteria: Ambry Variant Classification Scheme 2023. Collection method: clinical testing. Allele origin: germline.
Comment: The p.G1402S variant (also known as c.4204G>A), located in coding exon 29 of the ALK gene, results from a G to A substitution at nucleotide position 4204. The glycine at codon 1402 is replaced by serine, an amino acid with similar properties. This amino acid position is conserved. In addition, the in silico prediction for this alteration is inconclusive. Based on the available evidence, the clinical significance of this variant remains unclear.

NM_004304.5(ALK):c.4204G>A (p.Gly1402Ser)

Gene: ALK (ALK receptor tyrosine kinase; minus strand). Cytogenetic location: 2p23.2.
Variant type: single nucleotide variant.
Coding change: c.4204G>A on transcript NM_004304.5 (MANE Select); coding-DNA position 4204, G replaced by A.
Protein change: p.Gly1402Ser; replaces glycine 1402 with serine.
Molecular consequence: missense variant.
Genome position (GRCh38, 1-based): chr2:29,193,883, C>T on the plus strand (G>A on the coding strand, the complement: ALK is on the minus strand). VCF-style: chr2-29193883-C-T. GRCh37 (hg19) VCF-style: chr2-29416749-C-T.
Other names: c.1000G>A, p.Gly334Ser (NM_001353765.2); short protein forms G1402S, G334S.
Identifiers: ClinVar variation 3285833 (VCV003285833.1).